The following continues an entry in ClinVar:

NM_000303.3(PMM2):c.368G>A (p.Arg123Gln)

Gene: PMM2. ClinVar aggregate classification (germline): Pathogenic/Likely pathogenic. Pathogenic (19); Likely pathogenic (3).

Submissions 11 to 25 of 25:

Victorian Clinical Genetics Services, Murdoch Childrens Research Institute
Classification: Pathogenic for PMM2-congenital disorder of glycosylation. Last evaluated: 2024-10-09. Review status: criteria provided, single submitter. Criteria: ACMG Guidelines, 2015. Collection method: clinical testing. Allele origin: germline. Inheritance: Autosomal recessive inheritance. Affected: yes.
Comment: Based on the classification scheme VCGS_Germline_v1.3.4, this variant is classified as Pathogenic. Following criteria are met: 0102 - Loss of function is a known mechanism of disease in this gene and is associated with congenital disorder of glycosylation type Ia (MIM# 212065). (I) 0106 - This gene is associated with autosomal recessive disease. (I) 0200 - Variant is predicted to result in a missense amino acid change from arginine to glutamine. (I) 0251 – This variant is heterozygous. (I) 0304 - Variant is present in gnomAD (v2) <0.01 for a recessive condition (30 heterozygotes, 0 homozygotes). (SP) 0309 - An alternative amino acid change at the same position to leucine has been observed in gnomAD (v2) (1 heterozygote, 0 homozygotes). (I) 0501 - Missense variant consistently predicted to be damaging by multiple in silico tools or highly conserved with a major amino acid change. (SP) 0600 - Variant is located in the Phosphomannomutase annotated domain (NCBI). (I) 0801 – This variant has strong previous evidence of pathogenicity in unrelated individuals. The variant has been previously reported as pathogenic in patients with congenital disorder of glycosylation type Ia (ClinVar, PMID: 9497260, 15844218, 22012410). (SP) 1102 - Strong phenotype match for this individual. (I) Legend: (SP) - Supporting pathogenic, (I) - Information, (SB) - Supporting benign

Blueprint Genetics
Classification: Pathogenic for PMM2-related disorders. Last evaluated: 2024-08-21. Review status: criteria provided, single submitter. Criteria: ACMG Guidelines, 2015. Collection method: clinical testing. Allele origin: germline. Affected: yes. Observed: 5 variant alleles.

Fulgent Genetics
Classification: Pathogenic for PMM2-congenital disorder of glycosylation. Last evaluated: 2024-03-13. Review status: criteria provided, single submitter. Criteria: ACMG Guidelines, 2015. Collection method: clinical testing. Allele origin: germline.

GeneDx
Classification: Pathogenic. Last evaluated: 2023-11-16. Review status: criteria provided, single submitter. Criteria: GeneDx Variant Classification Process June 2021. Collection method: clinical testing. Allele origin: germline. Affected: yes.
Comment: Published functional studies demonstrate that R123Q affects protein stability, causes a 40% reduction of the protein half-life and results in no residual enzyme activity (PMID: 26014514, 21541725); In silico analysis supports that this missense variant has a deleterious effect on protein structure/function; This variant is associated with the following publications: (PMID: 21541725, 28807751, 30304743, 28671287, 34930662, 22012410, 11156536, 11715002, 10527672, 31115488, 28915903, 25497157, 25355454, 17166182, 15844218, 11409861, 28122681, 10922383, 20652024, 12705494, 32071842, 9497260, 26014514)

Department of Pathology and Laboratory Medicine, Sinai Health System
Classification: Pathogenic for PMM2-congenital disorder of glycosylation. Last evaluated: 2023-09-28. Review status: criteria provided, single submitter. Criteria: ACMG Guidelines, 2015. Collection method: research. Allele origin: germline.

Ambry Genetics
Classification: Pathogenic for Inborn genetic diseases. Last evaluated: 2022-01-28. Review status: criteria provided, single submitter. Criteria: Ambry Variant Classification Scheme 2023. Collection method: clinical testing. Allele origin: germline.
Comment: The c.368G>A (p.R123Q) alteration is located in exon 5 (coding exon 5) of the PMM2 gene. This alteration results from a G to A substitution at nucleotide position 368, causing the arginine (R) at amino acid position 123 to be replaced by a glutamine (Q). Based on data from gnomAD, the A allele has an overall frequency of 0.01% (30/223998) total alleles studied. The highest observed frequency was 0.02% (18/94022) of European (non-Finnish) alleles. This mutation has been reported in conjunction with multiple PMM2 missense alterations in individuals with PMM2-related congenital disorder of glycosylation (Matthijs, 1998; Westphal, 2001; Le Bizec, 2005; Vega, 2011)._x000D_ _x000D_ Reference:_x000D_ _x000D_ Westphal V, et al. Genet Med. Nov-Dec 2001;3(6):393-8. This amino acid position is highly conserved in available vertebrate species. Analysis of this variant in both E. coli and S. cerevisiae demonstrated reduced or absent residual activity when compared to wildtype (Westphal, 2001; Vega, 2011; Yuste-Checa, 2015). This alteration is predicted to be deleterious by in silico analysis. Based on the available evidence, this alteration is classified as pathogenic.

Myriad Genetics, Inc.
Classification: Pathogenic for PMM2-congenital disorder of glycosylation. Last evaluated: 2019-12-24. Review status: criteria provided, single submitter. Criteria: Myriad Women's Health Autosomal Recessive and X-Linked Classification Criteria (2019). Collection method: clinical testing. Allele origin: unknown.
Comment: NM_000303.2(PMM2):c.368G>A(R123Q) is classified as pathogenic in the context of congenital disorder of glycosylation type Ia. Sources cited for classification include the following: PMID 15844218, 11156536, 21541725, 11409861, 25497157, 17166182, 25355454 and 11715002. Classification of NM_000303.2(PMM2):c.368G>A(R123Q) is based on the following criteria: This is a well-established pathogenic variant in the literature that has been observed more frequently in patients with clinical diagnoses than in healthy populations. Please note: this variant was assessed in the context of healthy population screening.

Mayo Clinic Laboratories, Mayo Clinic
Classification: Pathogenic. Last evaluated: 2019-09-08. Review status: criteria provided, single submitter. Criteria: ACMG Guidelines, 2015. Collection method: clinical testing. Allele origin: germline. Observed: 1 variant allele.
Comment: PS3, PS4_Moderate, PM2, PP3, PP4

HudsonAlpha Institute for Biotechnology
Classification: Likely pathogenic for PMM2-congenital disorder of glycosylation. Last evaluated: 2018-08-29. Review status: criteria provided, single submitter. Criteria: ACMG Guidelines, 2015. Collection method: research. Allele origin: unknown. Observed: 1 variant allele. Study: CSER-SouthSeq.
Comment: ACMG codes: PS3, PM2, PP3, PP5

Genome Diagnostics Laboratory, University Medical Center Utrecht
Classification: Pathogenic for PMM2-congenital disorder of glycosylation. Last evaluated: 2017-07-28. Review status: criteria provided, single submitter. Criteria: ACGS Guidelines, 2013. Collection method: clinical testing. Allele origin: germline. Affected: yes. Study: VKGL Data-share Consensus.

Women's Health and Genetics/Laboratory Corporation of America, LabCorp
Classification: Pathogenic for PMM2-congenital disorder of glycosylation. Last evaluated: 2016-08-04. Review status: criteria provided, single submitter. Criteria: LabCorp Variant Classification Summary - May 2015. Collection method: clinical testing. Allele origin: germline.
Comment: Variant summary: The PMM2 c.368G>A (p.Arg123Gln) variant involves the alteration of a conserved nucleotide. 4/5 in silico tools predict a deleterious outcome. This variant was found in 3/28750 control chromosomes at a frequency of 0.0001043, which does not exceed the estimated maximal expected allele frequency of a pathogenic PMM2 variant (0.0055902). This variant has been reported in many CDG patients as compound heterozygotes with another pathogenic variant in trans. Functional studies showed that variant of interest led to null activity of the protein and classified the variant as one of the severe mutations. Taken together, this variant is classified as pathogenic.

Juno Genomics, Hangzhou Juno Genomics, Inc
Classification: Pathogenic for PMM2-congenital disorder of glycosylation. Review status: criteria provided, single submitter. Criteria: ACMG Guidelines, 2015. Collection method: clinical testing. Allele origin: germline.
Comment: Absent from controls (or at extremely low frequency if recessive) in Genome Aggregation Database.;Multiple lines of computational evidence support a deleterious effect on the gene or gene product.;For recessive disorders, detected in trans with a pathogenic variant.;Patient's phenotype or family history is highly specific for a disease with a single genetic etiology.

Biochemical Molecular Genetic Laboratory, King Abdulaziz Medical City
Classification: Pathogenic for PMM2-congenital disorder of glycosylation. Last evaluated: 2020-09-10. Review status: no assertion criteria provided. Collection method: clinical testing. Allele origin: germline. Affected: yes. Not counted in ClinVar's aggregate classification.

Diagnostic Laboratory, Department of Genetics, University Medical Center Groningen
Classification: Pathogenic for PMM2-congenital disorder of glycosylation. Review status: no assertion criteria provided. Collection method: clinical testing. Allele origin: germline. Affected: yes. Study: VKGL Data-share Consensus. Not counted in ClinVar's aggregate classification.

Joint Genome Diagnostic Labs from Nijmegen and Maastricht, Radboudumc and MUMC+
Classification: Pathogenic. Review status: no assertion criteria provided. Collection method: clinical testing. Allele origin: germline. Affected: yes. Study: VKGL Data-share Consensus. Not counted in ClinVar's aggregate classification.

Literature cited by the submitters: PubMed 21541725 (cited by 9 submitters); PubMed 26014514 (cited by 6 submitters); PubMed 28807751 (cited by OLLIN Analises Genomicas, OLLIN and Mayo Clinic Laboratories, Mayo Clinic); PubMed 22012410 (cited by 6 submitters); PubMed 12705494 (cited by OLLIN Analises Genomicas, OLLIN); PubMed 39923392 (cited by Dasa); PubMed 15844218 (cited by 6 submitters); PubMed 9497260 (cited by 8 submitters); PubMed 35780510 (cited by Variantyx, Inc.); PubMed 11715002 (cited by Ambry Genetics and Myriad Genetics, Inc.); PubMed 11156536 (cited by Myriad Genetics, Inc.); PubMed 11409861 (cited by Myriad Genetics, Inc.); PubMed 25497157 (cited by Myriad Genetics, Inc.); PubMed 17166182 (cited by Myriad Genetics, Inc.); PubMed 25355454 (cited by Myriad Genetics, Inc. and Women's Health and Genetics/Laboratory Corporation of America, LabCorp).